The following is an entry in ClinVar:

NM_001042492.3(NF1):c.7877T>A (p.Leu2626Gln)

Gene: NF1 (neurofibromin 1; plus strand). Cytogenetic location: 17q11.2.
Variant type: single nucleotide variant.
Coding change: c.7877T>A on transcript NM_001042492.3 (MANE Select); coding-DNA position 7877, T replaced by A.
Protein change: p.Leu2626Gln; replaces leucine 2626 with glutamine.
Molecular consequence: missense variant.
Genome position (GRCh38, 1-based): chr17:31,357,276, T>A. VCF-style: chr17-31357276-T-A. GRCh37 (hg19) VCF-style: chr17-29684294-T-A.
Other names: c.7814T>A, p.Leu2605Gln (NM_000267.4); short protein forms L2605Q, L2626Q.
Identifiers: ClinVar variation 1692353 (VCV001692353.1), dbSNP rs2151583174, ClinGen allele CA399203366.

ClinVar aggregate classification (germline): Uncertain significance (1 of 4 stars; one submission).

Conditions:
Hereditary cancer-predisposing syndrome. Also called: Hereditary Cancer Syndrome; Hereditary neoplastic syndrome; Neoplastic Syndromes, Hereditary; Tumor predisposition. Identifiers: Orphanet 140162, MedGen C0027672, MeSH D009386, MONDO:0015356.

Submission:

Sema4
Classification: Uncertain significance for Hereditary cancer-predisposing syndrome. Last evaluated: 2021-12-29. Review status: criteria provided, single submitter. Criteria: Sema4 Curation Guidelines. Collection method: curation. Allele origin: germline.
Comment: The NF1 c.7814T>A (p.L2605Q) variant has not been reported in literature to our knowledge. This variant was not observed in the large and broad cohorts of the Genome Aggregation Database (PMID: 32461654). This variant has not been reported in ClinVar. Functional studies have not been performed, and in silico predictions of the variant's effect on protein function are inconclusive. The evidence is insufficient to meet ACMG/AMP criteria for classifying the variant as benign or pathogenic. Thus, the clinical significance of this variant is currently uncertain.